The following is an entry in ClinVar:

ClinVar aggregate classification (germline): Uncertain significance. Review status: criteria provided, multiple submitters, no conflicts (2 of 4 stars). 3 submissions from 3 submitters: Uncertain significance (3). Last evaluated 2021-02-26.

Conditions:
Postaxial polydactyly-anterior pituitary anomalies-facial dysmorphism syndrome. Also called: Culler-Jones syndrome. Identifiers: Orphanet 420584, MedGen C4014479, MONDO:0014369, OMIM 615849.
Holoprosencephaly 9 (HPE9). Also called: PITUITARY ANOMALIES WITH HOLOPROSENCEPHALY-LIKE FEATURES; HOLOPROSENCEPHALY WITH MICROPHTHALMIA AND FIRST BRANCHIAL ARCH ANOMALIES. Identifiers: Orphanet 2162, MedGen C1835819, MONDO:0012563, OMIM 610829.

Allele frequency attached by ClinVar (database versions not stated): ExAC 0.00002; gnomAD 0.00002; TOPMed 0.00003.
gnomAD v4.1: 25 of 1,613,838 alleles (0.0015%); highest among the groups gnomAD compares: Middle Eastern, 0.016%; no homozygotes.

Submissions (3):

Labcorp Genetics (formerly Invitae), Labcorp
Classification: Uncertain significance for Postaxial polydactyly-anterior pituitary anomalies-facial dysmorphism syndrome; Holoprosencephaly 9. Last evaluated: 2021-02-26. Review status: criteria provided, single submitter. Criteria: Invitae Variant Classification Sherloc (09022015). Collection method: clinical testing. Allele origin: germline.
Comment: This sequence change replaces leucine with proline at codon 709 of the GLI2 protein (p.Leu709Pro). The leucine residue is moderately conserved and there is a moderate physicochemical difference between leucine and proline. This variant is present in population databases (rs781438228, ExAC 0.003%). This variant has not been reported in the literature in individuals with GLI2-related conditions. ClinVar contains an entry for this variant (Variation ID: 287648). Algorithms developed to predict the effect of missense changes on protein structure and function output the following: SIFT: "Tolerated"; PolyPhen-2: "Possibly Damaging"; Align-GVGD: "Class C0". The proline amino acid residue is found in multiple mammalian species, suggesting that this missense change does not adversely affect protein function. These predictions have not been confirmed by published functional studies and their clinical significance is uncertain. In summary, the available evidence is currently insufficient to determine the role of this variant in disease. Therefore, it has been classified as a Variant of Uncertain Significance.

Institute of Human Genetics, University of Leipzig Medical Center
Classification: Uncertain significance for Postaxial polydactyly-anterior pituitary anomalies-facial dysmorphism syndrome. Last evaluated: 2018-05-24. Review status: criteria provided, single submitter. Criteria: ACMG Guidelines, 2015. Collection method: clinical testing. Allele origin: germline. Affected: yes. Observed: 1 variant allele.

Eurofins Ntd Llc (ga)
Classification: Uncertain significance. Last evaluated: 2016-05-16. Review status: criteria provided, single submitter. Criteria: EGL Classification Definitions 2015. Collection method: clinical testing. Allele origin: germline. Observed: 1 variant allele, 1 heterozygote.

NM_001374353.1(GLI2):c.2075T>C (p.Leu692Pro)

Gene: GLI2 (GLI family zinc finger 2; plus strand). Cytogenetic location: 2q14.2.
Variant type: single nucleotide variant.
Coding change: c.2075T>C on transcript NM_001374353.1 (MANE Select); coding-DNA position 2075, T replaced by C.
Protein change: p.Leu692Pro; replaces leucine 692 with proline.
Molecular consequence: missense variant.
Genome position (GRCh38, 1-based): chr2:120,986,447, T>C. VCF-style: chr2-120986447-T-C. GRCh37 (hg19) VCF-style: chr2-121744023-T-C.
Other names: c.2126T>C, p.Leu709Pro (NM_001371271.1, NM_005270.5); c.1700T>C, p.Leu567Pro (NM_001374354.1); short protein forms L709P, L567P, L692P.
Identifiers: ClinVar variation 287648 (VCV000287648.13), dbSNP rs781438228, ClinGen allele CA1852130.